The following is an entry in ClinVar:

ClinVar aggregate classification (germline): Likely benign. Review status: criteria provided, multiple submitters, no conflicts (2 of 4 stars). 2 submissions from 2 submitters: Likely benign (2). Last evaluated 2025-12-08.

Conditions:
Lynch syndrome 4 (LYNCH4). Also called: Colorectal cancer, hereditary nonpolyposis, type 4; Hereditary non-polyposis colorectal cancer, type 4. Identifiers: Orphanet 144, MedGen C1838333, MONDO:0013699, OMIM 614337. Disease mechanism: loss of function.
Hereditary nonpolyposis colorectal neoplasms. Identifiers: MedGen C0009405, MeSH D003123.

Submissions (2):

Labcorp Genetics (formerly Invitae), Labcorp
Classification: Likely benign for Hereditary nonpolyposis colorectal neoplasms. Last evaluated: 2025-12-08. Review status: criteria provided, single submitter. Criteria: Invitae Variant Classification Sherloc (09022015). Collection method: clinical testing. Allele origin: germline.

Myriad Genetics, Inc.
Classification: Likely benign for Lynch syndrome 4. Last evaluated: 2025-01-29. Review status: criteria provided, single submitter. Criteria: Myriad Autosomal Dominant, Autosomal Recessive and X-Linked Classification Criteria (2023). Collection method: clinical testing. Allele origin: unknown.
Comment: This variant is considered likely benign. This variant is intronic and is not expected to impact mRNA splicing.

NM_000535.7(PMS2):c.904-10T>C

Gene: PMS2 (PMS1 homolog 2, mismatch repair system component; minus strand). Cytogenetic location: 7p22.1.
Variant type: single nucleotide variant.
Coding change: c.904-10T>C on transcript NM_000535.7 (MANE Select); 10 bases into the intron before coding-DNA position 904, T replaced by C.
Molecular consequence: intron variant.
Genome position (GRCh38, 1-based): chr7:5,992,067, A>G on the plus strand (T>C on the coding strand, the complement: PMS2 is on the minus strand). VCF-style: chr7-5992067-A-G. GRCh37 (hg19) VCF-style: chr7-6031698-A-G.
Other names: c.586-10T>C (NM_001322008.2, NM_001406902.1, NM_001406883.1 and 4 more transcripts); c.595-10T>C (NM_001406881.1, NM_001406879.1, NM_001322015.2 and 6 more transcripts); c.499-10T>C (NM_001406895.1, NM_001322010.2, NM_001322004.2 and 19 more transcripts); c.133-10T>C (NM_001406911.1); c.391-10T>C (NM_001406904.1, NM_001406905.1); c.331-10T>C (NM_001322013.2, NM_001406909.1); c.-30-10T>C (NM_001322012.2, NM_001322011.2); c.568-10T>C (NM_001406885.1); and 8 more.
Identifiers: ClinVar variation 2712880 (VCV002712880.4), dbSNP rs2536019012, ClinGen allele CA2681677282.
Genomic context (GRCh38, chr7:5,992,067, plus strand): 5'-ATACTGGTGTCGATTATACATGTGGTAGACCTCATTCACGAGTCTGCAGACCTGCACAAA[A>G]TACAAGGAGTAGAAAAGAATAAATGACAAATGTTCCCAGCCCCCCGCATTCTAACAACAT-3'